The following is an entry in ClinVar:

ClinVar aggregate classification (germline): Likely pathogenic (1 of 4 stars; one submission).

Submission:

Dasa
Classification: Likely pathogenic. Last evaluated: 2024-08-20. Review status: criteria provided, single submitter. Criteria: DASA Assertion Criteria. Collection method: clinical testing. Allele origin: germline.
Comment: NM_001003722.2(GLE1):c.1806G>A (p.Trp602*) is a nonsense variant in GLE1 predicted to introduce a premature termination codon and is predicted to result in an absent or altered protein product. Loss of function is an established disease mechanism for GLE1-associated disorders. Also, this variant is absent from population databases. Based on the currently available evidence, this variant is classified as likely pathogenic.

NM_001003722.2(GLE1):c.1806G>A (p.Trp602Ter)

Genes: GLE1 (GLE1 RNA export mediator; plus strand), LOC101929270 (uncharacterized LOC101929270; minus strand). Cytogenetic location: 9q34.11.
Variant type: single nucleotide variant.
Coding change: c.1806G>A on transcript NM_001003722.2 (MANE Select); coding-DNA position 1806, G replaced by A.
Protein change: p.Trp602Ter; replaces tryptophan 602 with a stop codon.
Molecular consequence: nonsense.
Genome position (GRCh38, 1-based): chr9:128,538,015, G>A. VCF-style: chr9-128538015-G-A. GRCh37 (hg19) VCF-style: chr9-131300294-G-A.
Other names: c.1833G>A, p.Trp611Ter (NM_001411013.1); c.1806G>A, p.Trp602Ter (NM_001499.2); short protein forms W602*, W611*.
Identifiers: ClinVar variation 4856921 (VCV004856921.2).